The following is an entry in ClinVar:

NM_014055.4(IFT81):c.1745C>T (p.Thr582Ile)

Gene: IFT81 (intraflagellar transport 81; plus strand). Cytogenetic location: 12q24.11.
Variant type: single nucleotide variant.
Coding change: c.1745C>T on transcript NM_014055.4 (MANE Select); coding-DNA position 1745, C replaced by T.
Protein change: p.Thr582Ile; replaces threonine 582 with isoleucine.
Molecular consequence: missense variant. On other transcripts: non-coding transcript variant (4).
Genome position (GRCh38, 1-based): chr12:110,205,623, C>T. VCF-style: chr12-110205623-C-T. GRCh37 (hg19) VCF-style: chr12-110643428-C-T.
Other names: c.1745C>T, p.Thr582Ile (NM_001143779.2); c.815C>T, p.Thr272Ile (NM_001347947.2, NM_001347948.2); short protein forms T582I, T272I.
Identifiers: ClinVar variation 1353200 (VCV001353200.8), dbSNP rs2137588771, ClinGen allele CA386909442.
Genomic context (GRCh38, chr12:110,205,623, plus strand): 5'-GTCTTCCCTAAAACTGAAGTCTTTCTATTTAGAACCTAGAAGTTCAACTTCGTCGTGCTA[C>T]TGATGAGATGAAGGCATATATCTCTTCTGATCAACAAGAAAAAAGAAAGGCAATTAGGCA-3'
Protein context (NP_054774.2, residues 572-592): KNLEVQLRRA[Thr582Ile]DEMKAYISSD

ClinVar aggregate classification (germline): Uncertain significance (1 of 4 stars; one submission).

Submission:

Labcorp Genetics (formerly Invitae), Labcorp
Classification: Uncertain significance. Last evaluated: 2022-02-24. Review status: criteria provided, single submitter. Criteria: Invitae Variant Classification Sherloc (09022015). Collection method: clinical testing. Allele origin: germline.
Comment: Algorithms developed to predict the effect of missense changes on protein structure and function output the following: SIFT: "Deleterious"; PolyPhen-2: "Benign"; Align-GVGD: "Class C0". The isoleucine amino acid residue is found in multiple mammalian species, which suggests that this missense change does not adversely affect protein function. In summary, the available evidence is currently insufficient to determine the role of this variant in disease. Therefore, it has been classified as a Variant of Uncertain Significance. This variant has not been reported in the literature in individuals affected with IFT81-related conditions. This variant is not present in population databases (gnomAD no frequency). This sequence change replaces threonine, which is neutral and polar, with isoleucine, which is neutral and non-polar, at codon 582 of the IFT81 protein (p.Thr582Ile).